The following is an entry in ClinVar:

NM_016180.5(SLC45A2):c.953G>A (p.Arg318His)

Gene: SLC45A2 (solute carrier family 45 member 2; minus strand). Cytogenetic location: 5p13.2.
Variant type: single nucleotide variant.
Coding change: c.953G>A on transcript NM_016180.5 (MANE Select); coding-DNA position 953, G replaced by A.
Protein change: p.Arg318His; replaces arginine 318 with histidine.
Molecular consequence: missense variant. On other transcripts: synonymous variant (1).
Genome position (GRCh38, 1-based): chr5:33,954,440, C>T on the plus strand (G>A on the coding strand, the complement: SLC45A2 is on the minus strand). VCF-style: chr5-33954440-C-T. GRCh37 (hg19) VCF-style: chr5-33954545-C-T.
Other names: c.953G>A, p.Arg318His (NM_001012509.4); c.627G>A, p.Pro209= (NM_001297417.4); short protein forms R318H.
Identifiers: ClinVar variation 1359041 (VCV001359041.5), dbSNP rs142299109, ClinGen allele CA3225636.

ClinVar aggregate classification (germline): Uncertain significance. Review status: criteria provided, multiple submitters, no conflicts (2 of 4 stars). 2 submissions from 2 submitters: Uncertain significance (2). Last evaluated 2025-01-06.

Allele frequency attached by ClinVar (database versions not stated): 1000 Genomes Project 30x 0.00047; ESP Exome Variant Server 0.00008; 1000 Genomes Project 0.00040.
gnomAD v4.1: 102 of 1,614,022 alleles (0.0063%); highest among the groups gnomAD compares: African/African-American, 0.033%; no homozygotes.

Submissions (2):

Labcorp Genetics (formerly Invitae), Labcorp
Classification: Uncertain significance. Last evaluated: 2025-01-06. Review status: criteria provided, single submitter. Criteria: Invitae Variant Classification Sherloc (09022015). Collection method: clinical testing. Allele origin: germline.
Comment: This sequence change replaces arginine, which is basic and polar, with histidine, which is basic and polar, at codon 318 of the SLC45A2 protein (p.Arg318His). The frequency data for this variant in the population databases is considered unreliable, as metrics indicate poor data quality at this position in the gnomAD database. This missense change has been observed in individual(s) with oculocutaneous albinism (PMID: 29345414, 36553465). ClinVar contains an entry for this variant (Variation ID: 1359041). Invitae Evidence Modeling of protein sequence and biophysical properties (such as structural, functional, and spatial information, amino acid conservation, physicochemical variation, residue mobility, and thermodynamic stability) indicates that this missense variant is expected to disrupt SLC45A2 protein function with a positive predictive value of 80%. In summary, the available evidence is currently insufficient to determine the role of this variant in disease. Therefore, it has been classified as a Variant of Uncertain Significance.

Blueprint Genetics
Classification: Uncertain significance. Last evaluated: 2024-10-09. Review status: criteria provided, single submitter. Criteria: ACMG Guidelines, 2015. Collection method: clinical testing. Allele origin: germline.

Literature cited by the submitters: PubMed 29345414 (cited by Labcorp Genetics (formerly Invitae), Labcorp); PubMed 36553465 (cited by Labcorp Genetics (formerly Invitae), Labcorp).